The following is an entry in ClinVar:

NM_003816.3(ADAM9):c.1384A>G (p.Lys462Glu)

Gene: ADAM9 (ADAM metallopeptidase domain 9; plus strand). Cytogenetic location: 8p11.22.
Variant type: single nucleotide variant.
Coding change: c.1384A>G on transcript NM_003816.3 (MANE Select); coding-DNA position 1384, A replaced by G.
Protein change: p.Lys462Glu; replaces lysine 462 with glutamic acid.
Molecular consequence: missense variant. On other transcripts: non-coding transcript variant (3).
Genome position (GRCh38, 1-based): chr8:39,054,562, A>G. VCF-style: chr8-39054562-A-G. GRCh37 (hg19) VCF-style: chr8-38912081-A-G.
Other names: short protein forms K462E.
Identifiers: ClinVar variation 3358220 (VCV003358220.2).

ClinVar aggregate classification (germline): Uncertain significance. Review status: criteria provided, single submitter (1 of 4 stars). 2 submissions from 2 submitters: Uncertain significance (1). 1 of the submissions does not count toward it. Last evaluated 2019-11-21.

Conditions:
ADAM9-related disorder. Also called: ADAM9-related condition.

gnomAD v4.1: 1 of 1,609,642 alleles (0.000062%); highest among the groups gnomAD compares: Non-Finnish European, 0.000085%; no homozygotes.

Submissions (2):

Blueprint Genetics
Classification: Uncertain significance. Last evaluated: 2019-11-21. Review status: criteria provided, single submitter. Criteria: ACMG Guidelines, 2015. Collection method: clinical testing. Allele origin: germline.

PreventionGenetics, part of Exact Sciences
Classification: Uncertain significance for ADAM9-related condition. Last evaluated: 2024-07-16. Review status: no assertion criteria provided. Collection method: clinical testing. Allele origin: germline. Not counted in ClinVar's aggregate classification.
Comment: The ADAM9 c.1384A>G variant is predicted to result in the amino acid substitution p.Lys462Glu. To our knowledge, this variant has not been reported in the literature or in a large population database, indicating this variant is rare. At this time, the clinical significance of this variant is uncertain due to the absence of conclusive functional and genetic evidence.